The following is an entry in ClinVar:

NM_000222.3(KIT):c.147C>T (p.Arg49=)

Gene: KIT (KIT proto-oncogene, receptor tyrosine kinase; plus strand). Cytogenetic location: 4q12.
Variant type: single nucleotide variant.
Coding change: c.147C>T on transcript NM_000222.3 (MANE Select); coding-DNA position 147, C replaced by T.
Protein change: p.Arg49=; no amino-acid change (arginine 49 retained).
Molecular consequence: synonymous variant.
Genome position (GRCh38, 1-based): chr4:54,695,591, C>T. VCF-style: chr4-54695591-C-T. GRCh37 (hg19) VCF-style: chr4-55561757-C-T.
Other names: c.147C>T, p.Arg49= (NM_001093772.2, NM_001385284.1, NM_001385285.1 and 4 more transcripts).
Identifiers: ClinVar variation 415800 (VCV000415800.19), dbSNP rs72549301, ClinGen allele CA2923170.

ClinVar aggregate classification (germline): Benign/Likely benign. Review status: criteria provided, multiple submitters, no conflicts (2 of 4 stars). 5 submissions from 5 submitters: Benign (1); Likely benign (3). 1 of the submissions does not count toward it. Last evaluated 2026-06-02.

Conditions:
KIT-related disorder. Also called: KIT-related condition.
Hereditary cancer-predisposing syndrome. Also called: Tumor predisposition; Hereditary neoplastic syndrome; Hereditary Cancer Syndrome; Neoplastic Syndromes, Hereditary. Identifiers: Orphanet 140162, MedGen C0027672, MeSH D009386, MONDO:0015356.
Gastrointestinal stromal tumor. Also called: Gastrointestinal stromal tumor, somatic; Gastrointestinal stroma tumor. Identifiers: Orphanet 44890, MedGen C0238198, MeSH D046152, MONDO:0011719, OMIM 606764, HP:0100723.

Allele frequency attached by ClinVar (database versions not stated): ExAC 0.00001; TOPMed 0.00002.
gnomAD v4.1: 17 of 1,614,064 alleles (0.0011%); highest among the groups gnomAD compares: African/African-American, 0.0093%; no homozygotes.

Submissions (5):

Myriad Genetics, Inc.
Classification: Benign for Gastrointestinal stromal tumor. Last evaluated: 2026-06-02. Review status: criteria provided, single submitter. Criteria: Myriad Autosomal Dominant, Autosomal Recessive and X-Linked Classification Criteria (2023). Collection method: clinical testing. Allele origin: unknown.
Comment: This variant is considered benign. This variant is a silent/synonymous amino acid change and it is not expected to impact splicing.

CeGaT Center for Human Genetics Tuebingen
Classification: Likely benign. Last evaluated: 2026-04-01. Review status: criteria provided, single submitter. Criteria: CeGaT Center For Human Genetics Tuebingen Variant Classification Criteria Version 2. Collection method: clinical testing. Allele origin: germline. Affected: yes. Observed: 1 variant allele.
Comment: KIT: BP4, BP7

Labcorp Genetics (formerly Invitae), Labcorp
Classification: Likely benign for Gastrointestinal stromal tumor. Last evaluated: 2026-01-28. Review status: criteria provided, single submitter. Criteria: Invitae Variant Classification Sherloc (09022015). Collection method: clinical testing. Allele origin: germline.

Ambry Genetics
Classification: Likely benign for Hereditary cancer-predisposing syndrome. Last evaluated: 2019-09-03. Review status: criteria provided, single submitter. Criteria: Ambry Variant Classification Scheme 2023. Collection method: clinical testing. Allele origin: germline.

PreventionGenetics, part of Exact Sciences
Classification: Likely benign for KIT-related condition. Last evaluated: 2024-03-20. Review status: no assertion criteria provided. Collection method: clinical testing. Allele origin: germline. Not counted in ClinVar's aggregate classification.
Comment: This variant is classified as likely benign based on ACMG/AMP sequence variant interpretation guidelines (Richards et al. 2015 PMID: 25741868, with internal and published modifications).